The following is an entry in ClinVar:

ClinVar aggregate classification (germline): Conflicting classifications of pathogenicity. Review status: criteria provided, conflicting classifications (1 of 4 stars). 7 submissions from 7 submitters: Uncertain significance (2); Benign (2); Likely benign (3). Last evaluated 2026-05-22.

Conditions:
Retinitis pigmentosa 3. Also called: CHOROIDORETINAL DEGENERATION WITH RETINAL REFLEX IN HETEROZYGOUS WOMEN. Identifiers: Orphanet 791, MedGen C1845667, MONDO:0010227, OMIM 300029.
Retinitis pigmentosa, X-linked, and sinorespiratory infections, with or without deafness (RPSRDF). Identifiers: Orphanet 247522, MedGen C2749137, OMIM 300455.
X-linked cone-rod dystrophy 1 (CORDX1). Identifiers: Orphanet 1872, MedGen C1844776, MONDO:0010566, OMIM 304020.
Macular degeneration, X-linked atrophic. Identifiers: Orphanet 1872, MedGen C3151784, MONDO:0010443, OMIM 300834.
Primary ciliary dyskinesia. Also called: Ciliary dyskinesia. Identifiers: Orphanet 244, MedGen C0008780, MONDO:0016575, HP:0012265.
RPGR-related disorder. Also called: RPGR-related condition.

Submissions (7):

Ambry Genetics
Classification: Likely benign for Primary ciliary dyskinesia. Last evaluated: 2026-05-22. Review status: criteria provided, single submitter. Criteria: Ambry Variant Classification Scheme 2023. Collection method: clinical testing. Allele origin: germline.

CeGaT Center for Human Genetics Tuebingen
Classification: Benign. Last evaluated: 2026-02-01. Review status: criteria provided, single submitter. Criteria: CeGaT Center For Human Genetics Tuebingen Variant Classification Criteria Version 2. Collection method: clinical testing. Allele origin: germline. Affected: yes. Observed: 5 variant alleles.
Comment: RPGR: BS1, BS2

Labcorp Genetics (formerly Invitae), Labcorp
Classification: Likely benign for Primary ciliary dyskinesia. Last evaluated: 2026-01-31. Review status: criteria provided, single submitter. Criteria: Invitae Variant Classification Sherloc (09022015). Collection method: clinical testing. Allele origin: germline.

PreventionGenetics, part of Exact Sciences
Classification: Benign for RPGR-related condition. Last evaluated: 2025-12-26. Review status: criteria provided, single submitter. Criteria: ACMG Guidelines, 2015. Collection method: clinical testing. Allele origin: germline.
Comment: This variant is classified as benign based on ACMG/AMP sequence variant interpretation guidelines (Richards et al. 2015 PMID: 25741868, with internal and published modifications).

Blueprint Genetics
Classification: Likely benign. Last evaluated: 2024-11-21. Review status: criteria provided, single submitter. Criteria: ACMG Guidelines, 2015. Collection method: clinical testing. Allele origin: germline.

Fulgent Genetics
Classification: Uncertain significance for Retinitis pigmentosa 3; Retinitis pigmentosa, X-linked, and sinorespiratory infections, with or without deafness; Macular degeneration, X-linked atrophic; X-linked cone-rod dystrophy 1. Last evaluated: 2021-12-09. Review status: criteria provided, single submitter. Criteria: ACMG Guidelines, 2015. Collection method: clinical testing. Allele origin: unknown.

Breakthrough Genomics
Classification: Uncertain significance. Review status: criteria provided, single submitter. Criteria: ACMG Guidelines, 2015. Collection method: not provided. Allele origin: germline. Inheritance: X-linked recessive inheritance. Affected: yes.

NM_001034853.2(RPGR):c.2691GGA[1] (p.Glu899del)

Gene: RPGR (retinitis pigmentosa GTPase regulator; minus strand). Cytogenetic location: Xp11.4.
Variant type: Microsatellite.
Coding change: c.2691GGA[1] on transcript NM_001034853.2 (MANE Select); one copy of the 3-base unit GGA starting at c.2691; the reference has two copies in a row; one copy, 3 bases deleted.
Protein change: p.Glu899del; deletes glutamic acid 899.
Molecular consequence: inframe deletion. On other transcripts: intron variant (8).
Genome position (GRCh38, 1-based): chrX:38,286,303-38,286,305, TCC deleted on the plus strand (GGA on the coding strand, the reverse complement: RPGR is on the minus strand); deleting any 3 consecutive bases within chrX:38,286,303-38,286,310 gives the same sequence; the position shown is the placement nearest the transcript's 3' end. VCF-style (leftmost placement, unchanged base first): chrX-38286302-TTCC-T. GRCh37 (hg19) VCF-style: chrX-38145555-TTCC-T.
Other names: c.2694_2696delGGA (NM_001034853.1); c.1569+4654_1569+4656del (NM_001367249.1, NM_001367250.1); c.1902+789_1902+791del (NM_001367245.1); c.1386+4654_1386+4656del (NM_001367251.1); c.1719+789_1719+791del (NM_001367246.1); c.1572+4654_1572+4656del (NM_001367247.1); c.1905+789_1905+791del (NM_000328.3); c.1602+4654_1602+4656del (NM_001367248.1); short protein forms E899del.
Identifiers: ClinVar variation 1412206 (VCV001412206.27), dbSNP rs745428229, ClinGen allele CA10385252.
Genomic context (GRCh38, chrX:38,286,302, plus strand): 5'-CCCTTCTCCTTCCTCCTCTTCTCCCTCCCCTTCTCCTTCCTCTTCTCCCTCCCCTTCTCC[TTCC>T]TCCTCTTCTCCCTCCCCTTCTCCTTCCTCTTCTCCCTCCCCTTCTCCTTCCTCCTCTTCC-3'